The following is an entry in ClinVar:

NM_001048174.2(MUTYH):c.1153G>C (p.Glu385Gln)

Gene: MUTYH (mutY DNA glycosylase; minus strand). Cytogenetic location: 1p34.1.
Variant type: single nucleotide variant.
Coding change: c.1153G>C on transcript NM_001048174.2 (MANE Select); coding-DNA position 1153, G replaced by C.
Protein change: p.Glu385Gln; replaces glutamic acid 385 with glutamine.
Molecular consequence: missense variant. On other transcripts: non-coding transcript variant (2).
Genome position (GRCh38, 1-based): chr1:45,331,506, C>G on the plus strand (G>C on the coding strand, the complement: MUTYH is on the minus strand). VCF-style: chr1-45331506-C-G. GRCh37 (hg19) VCF-style: chr1-45797178-C-G.
Other names: c.1153G>C, p.Glu385Gln (NM_001048171.2, NM_001048173.2, NM_001293195.2); c.1156G>C, p.Glu386Gln (NM_001048172.2); c.1237G>C, p.Glu413Gln (NM_001128425.2); c.1198G>C, p.Glu400Gln (NM_001293190.2); c.1186G>C, p.Glu396Gln (NM_001293191.2); c.877G>C, p.Glu293Gln (NM_001293192.2, NM_001293196.2); c.808G>C, p.Glu270Gln (NM_001350650.2, NM_001350651.2); c.1228G>C, p.Glu410Gln (NM_012222.3); short protein forms E293Q, E386Q, E396Q, E413Q, E270Q, E400Q, E385Q, E410Q.
Identifiers: ClinVar variation 952059 (VCV000952059.11), dbSNP rs1371096605, ClinGen allele CA340133003.

ClinVar aggregate classification (germline): Conflicting classifications of pathogenicity. Review status: criteria provided, conflicting classifications (1 of 4 stars). 2 submissions from 2 submitters: Uncertain significance (1); Benign (1). Last evaluated 2025-09-09.

Conditions:
Hereditary cancer-predisposing syndrome. Also called: Tumor predisposition; Hereditary Cancer Syndrome; Neoplastic Syndromes, Hereditary; Hereditary neoplastic syndrome. Identifiers: Orphanet 140162, MedGen C0027672, MeSH D009386, MONDO:0015356.
Familial adenomatous polyposis 2. Also called: COLORECTAL ADENOMATOUS POLYPOSIS, AUTOSOMAL RECESSIVE; ADENOMAS, MULTIPLE COLORECTAL, AUTOSOMAL RECESSIVE; MYH-associated polyposis; FAP type 2; MUTYH-associated polyposis; MUTYH-related attenuated familial adenomatous polyposis. Identifiers: Orphanet 220460, Orphanet 247798, MedGen C3272841, MONDO:0012041, OMIM 608456.

Allele frequency attached by ClinVar (database versions not stated): gnomAD exomes below 0.00001.

Submissions (2):

Ambry Genetics
Classification: Benign for Hereditary cancer-predisposing syndrome. Last evaluated: 2025-09-09. Review status: criteria provided, single submitter. Criteria: Ambry Variant Classification Scheme 2023. Collection method: clinical testing. Allele origin: germline.

Labcorp Genetics (formerly Invitae), Labcorp
Classification: Uncertain significance for Familial adenomatous polyposis 2. Last evaluated: 2025-03-12. Review status: criteria provided, single submitter. Criteria: Invitae Variant Classification Sherloc (09022015). Collection method: clinical testing. Allele origin: germline.
Comment: This sequence change replaces glutamic acid, which is acidic and polar, with glutamine, which is neutral and polar, at codon 413 of the MUTYH protein (p.Glu413Gln). This variant is present in population databases (no rsID available, gnomAD 0.003%). This variant has not been reported in the literature in individuals affected with MUTYH-related conditions. ClinVar contains an entry for this variant (Variation ID: 952059). An algorithm developed to predict the effect of missense changes on protein structure and function (PolyPhen-2) suggests that this variant is likely to be tolerated. In summary, the available evidence is currently insufficient to determine the role of this variant in disease. Therefore, it has been classified as a Variant of Uncertain Significance.